The following is an entry in ClinVar:

NM_002458.3(MUC5B):c.3216G>A (p.Thr1072=)

Gene: MUC5B (mucin 5B, oligomeric mucus/gel-forming; plus strand). Cytogenetic location: 11p15.5.
Variant type: single nucleotide variant.
Coding change: c.3216G>A on transcript NM_002458.3 (MANE Select); coding-DNA position 3216, G replaced by A.
Protein change: p.Thr1072=; no amino-acid change (threonine 1072 retained).
Molecular consequence: synonymous variant.
Genome position (GRCh38, 1-based): chr11:1,237,083, G>A. VCF-style: chr11-1237083-G-A. GRCh37 (hg19) VCF-style: chr11-1258313-G-A.
Identifiers: ClinVar variation 2641190 (VCV002641190.24), dbSNP rs371760181, ClinGen allele CA5804993.

ClinVar aggregate classification (germline): Likely benign (1 of 4 stars; one submission).

Allele frequency attached by ClinVar (database versions not stated): ExAC 0.00001; TOPMed 0.00003; gnomAD 0.00004; ESP Exome Variant Server 0.00008.
gnomAD v4.1: 14 of 1,561,370 alleles (0.0009%); highest among the groups gnomAD compares: East Asian, 0.0048%; no homozygotes.

Submission:

CeGaT Center for Human Genetics Tuebingen
Classification: Likely benign. Last evaluated: 2023-02-01. Review status: criteria provided, single submitter. Criteria: CeGaT Center For Human Genetics Tuebingen Variant Classification Criteria Version 2. Collection method: clinical testing. Allele origin: germline. Affected: yes. Observed: 1 variant allele.
Comment: MUC5B: BP4, BP7